The following is an entry in ClinVar:

ClinVar aggregate classification (germline): Conflicting classifications of pathogenicity. Review status: criteria provided, conflicting classifications (1 of 4 stars). 11 submissions from 11 submitters: Uncertain significance (7); Benign (1); Likely benign (2). 1 of the submissions does not count toward it. Last evaluated 2026-05-08.

Conditions:
RAD51C-related disorder. Also called: RAD51C-related condition; RAD51C-related disorders.
Hereditary cancer-predisposing syndrome. Also called: Neoplastic Syndromes, Hereditary; Hereditary neoplastic syndrome; Hereditary Cancer Syndrome; Tumor predisposition. Identifiers: Orphanet 140162, MedGen C0027672, MeSH D009386, MONDO:0015356.
Breast-ovarian cancer, familial, susceptibility to, 3. Also called: RAD51C-Related Breast/Ovarian Cancer. Identifiers: Orphanet 145, MedGen C3150659, MONDO:0013253, OMIM 613399.
Fanconi anemia complementation group O. Also called: RAD51C-Related Fanconi Anemia. Identifiers: Orphanet 84, MedGen C3150653, MONDO:0013248, OMIM 613390.
Malignant tumor of breast. Also called: Malignant breast neoplasm; Cancer breast. Identifiers: MedGen C0006142, MONDO:0007254. Disease mechanism: loss of function.

Allele frequency attached by ClinVar (database versions not stated): gnomAD 0.00001; TOPMed 0.00004; ExAC 0.00005; gnomAD exomes 0.00006.
gnomAD v4.1: 18 of 1,614,004 alleles (0.0011%); highest among the groups gnomAD compares: East Asian, 0.04%; no homozygotes.

Submissions (11):

PreventionGenetics, part of Exact Sciences
Classification: Uncertain significance for RAD51C-related condition. Last evaluated: 2026-05-08. Review status: criteria provided, single submitter. Criteria: ACMG Guidelines, 2015. Collection method: clinical testing. Allele origin: germline.
Comment: The RAD51C c.233C>T variant is predicted to result in the amino acid substitution p.Thr78Ile. This variant has been reported as a variant of uncertain significance in individuals with pancreatic ductal adenocarcinoma or breast cancer (eTable 3. Yin et al. 2022. PubMed ID: 35171259; Kolinjivadi et al. 2023. PubMed ID: 36562461). Functional analysis in CL-V4B cells indicated that the p.Thr78Ile did not result in mitomycin C or etoposide sensitivity (Kolinjivadi et al. 2023. PubMed ID: 36562461). This variant is reported in 0.087% of alleles in individuals of East Asian descent in gnomAD. At this time, the clinical significance of this variant is uncertain due to the absence of conclusive functional and genetic evidence.

Labcorp Genetics (formerly Invitae), Labcorp
Classification: Uncertain significance for Fanconi anemia complementation group O. Last evaluated: 2026-01-27. Review status: criteria provided, single submitter. Criteria: Invitae Variant Classification Sherloc (09022015). Collection method: clinical testing. Allele origin: germline.
Comment: This sequence change replaces threonine, which is neutral and polar, with isoleucine, which is neutral and non-polar, at codon 78 of the RAD51C protein (p.Thr78Ile). This variant is present in population databases (rs112832782, gnomAD 0.09%). This missense change has been observed in individual(s) with breast cancer and/or pancreatic cancer (PMID: 36562461). ClinVar contains an entry for this variant (Variation ID: 241767). An algorithm developed to predict the effect of missense changes on protein structure and function (PolyPhen-2) suggests that this variant is likely to be tolerated. Experimental studies have shown that this missense change does not substantially affect RAD51C function (PMID: 36562461). In summary, the available evidence is currently insufficient to determine the role of this variant in disease. Therefore, it has been classified as a Variant of Uncertain Significance.

Myriad Genetics, Inc.
Classification: Likely benign for Breast-ovarian cancer, familial, susceptibility to, 3. Last evaluated: 2025-06-03. Review status: criteria provided, single submitter. Criteria: Myriad Autosomal Dominant, Autosomal Recessive and X-Linked Classification Criteria (2023). Collection method: clinical testing. Allele origin: unknown.
Comment: This variant is considered likely benign. This variant is strongly associated with less severe personal and family histories of cancer, typical for individuals without pathogenic variants in this gene [PMID: 25085752].

Color Diagnostics, LLC DBA Color Health
Classification: Likely benign for Hereditary cancer-predisposing syndrome. Last evaluated: 2025-02-25. Review status: criteria provided, single submitter. Criteria: ACMG Guidelines, 2015. Collection method: clinical testing. Allele origin: germline.

Baylor Genetics
Classification: Uncertain significance for Breast-ovarian cancer, familial, susceptibility to, 3. Last evaluated: 2024-03-14. Review status: criteria provided, single submitter. Criteria: ACMG Guidelines, 2015. Collection method: clinical testing. Allele origin: unknown.

GeneDx
Classification: Uncertain significance. Last evaluated: 2023-02-03. Review status: criteria provided, single submitter. Criteria: GeneDx Variant Classification Process June 2021. Collection method: clinical testing. Allele origin: germline. Affected: yes.
Comment: In silico analysis supports that this missense variant does not alter protein structure/function; Has not been previously published as pathogenic or benign to our knowledge

Quest Diagnostics Nichols Institute San Juan Capistrano
Classification: Uncertain significance. Last evaluated: 2022-11-10. Review status: criteria provided, single submitter. Criteria: Quest Diagnostics criteria. Collection method: clinical testing. Allele origin: unknown.
Comment: The frequency of this variant in the general population, 0.00087 (16/18394 chromosomes in East Asian subpopulation), is higher than would generally be expected for pathogenic variants in this gene. In a large-scale breast cancer association study, the variant was observed in individuals with breast cancer as well as in unaffected individuals (PMID: 33471991 (2021), see also LOVD). Analysis of this variant using bioinformatics tools for the prediction of the effect of amino acid changes on protein structure and function yielded predictions that this variant is benign. Based on the available information, we are unable to determine the clinical significance of this variant.

Fulgent Genetics
Classification: Uncertain significance for Fanconi anemia complementation group O; Breast-ovarian cancer, familial, susceptibility to, 3. Last evaluated: 2022-03-31. Review status: criteria provided, single submitter. Criteria: ACMG Guidelines, 2015. Collection method: clinical testing. Allele origin: unknown.

Institute for Clinical Genetics, University Hospital TU Dresden, University Hospital TU Dresden
Classification: Uncertain significance. Last evaluated: 2021-11-03. Review status: criteria provided, single submitter. Criteria: ACMG Guidelines, 2015. Collection method: clinical testing. Allele origin: germline.

Ambry Genetics
Classification: Benign for Hereditary cancer-predisposing syndrome. Last evaluated: 2021-04-13. Review status: criteria provided, single submitter. Criteria: Ambry Variant Classification Scheme 2023. Collection method: clinical testing. Allele origin: germline.

Department of Pathology and Laboratory Medicine, Sinai Health System
Classification: Uncertain significance for Malignant tumor of breast. Review status: no assertion criteria provided. Collection method: clinical testing. Allele origin: unknown. Affected: yes. Study: The Canadian Open Genetics Repository (COGR). Not counted in ClinVar's aggregate classification.
Comment: The RAD51C p.Thr78Ile variant was not identified in the literature nor was it identified in the LOVD 3.0. The variant was identified in dbSNP (ID: rs112832782) as "With Uncertain significance allele", ClinVar (classified as uncertain significance by Invitae, GeneDx, Ambry Genetics and Color) . The variant was identified in control databases in 15 of 246228 chromosomes at a frequency of 0.00006 (Genome Aggregation Database Feb 27, 2017). The variant was observed in the East Asian population in 15 of 17248 chromosomes (freq: 0.0009), while the variant was not observed in the African, Other, Latino, European, Ashkenazi Jewish, Finnish, and South Asian populations. The p.Thr78 residue is not conserved in mammals and four out of five computational analyses (PolyPhen-2, SIFT, AlignGVGD, BLOSUM, MutationTaster) do not suggest a high likelihood of impact to the protein; however, this information is not predictive enough to rule out pathogenicity. The variant occurs outside of the splicing consensus sequence and 1 of 4 in silico or computational prediction software programs (SpliceSiteFinder, MaxEntScan, NNSPLICE, GeneSplicer) predict a greater than 10% difference in splicing; this is not very predictive of pathogenicity. In summary, based on the above information the clinical significance of this variant cannot be determined with certainty at this time. This variant is classified as a variant of uncertain significance.

Literature cited by the submitters: PubMed 36562461 (cited by Labcorp Genetics (formerly Invitae), Labcorp); PubMed 25085752 (cited by Myriad Genetics, Inc.); PubMed 33471991 (cited by Quest Diagnostics Nichols Institute San Juan Capistrano).

NM_058216.3(RAD51C):c.233C>T (p.Thr78Ile)

Gene: RAD51C (RAD51 paralog C; plus strand). Cytogenetic location: 17q22.
Variant type: single nucleotide variant.
Coding change: c.233C>T on transcript NM_058216.3 (MANE Select); coding-DNA position 233, C replaced by T.
Protein change: p.Thr78Ile; replaces threonine 78 with isoleucine.
Molecular consequence: missense variant. On other transcripts: non-coding transcript variant (2).
Genome position (GRCh38, 1-based): chr17:58,695,018, C>T. VCF-style: chr17-58695018-C-T. GRCh37 (hg19) VCF-style: chr17-56772379-C-T.
Other names: c.233C>T, p.Thr78Ile (NM_002876.4); short protein forms T78I.
Identifiers: ClinVar variation 241767 (VCV000241767.30), dbSNP rs112832782, ClinGen allele CA8677187.